The following is an entry in ClinVar:

ClinVar aggregate classification (germline): Uncertain significance (1 of 4 stars; one submission).

Conditions:
Inborn genetic diseases. Identifiers: MedGen C0950123, MeSH D030342.

gnomAD v4.1: 7 of 1,186,432 alleles (0.00059%); highest among the groups gnomAD compares: South Asian, 0.0053%; no homozygotes.

Submission:

Ambry Genetics
Classification: Uncertain significance for Inborn genetic diseases. Last evaluated: 2026-05-14. Review status: criteria provided, single submitter. Criteria: Ambry Variant Classification Scheme 2023. Collection method: clinical testing. Allele origin: germline.
Comment: The c.4186C>T (p.P1396S) alteration is located in exon 35 (coding exon 32) of the HUWE1 gene. This alteration results from a C to T substitution at nucleotide position 4186, causing the proline (P) at amino acid position 1396 to be replaced by a serine (S). Based on data from gnomAD, the T allele has an overall frequency of 0.001% (2/183223) total alleles studied. The highest observed frequency was 0.005% (1/19080) of South Asian alleles. Based on insufficient or conflicting evidence, the clinical significance of this alteration remains unclear.

NM_031407.7(HUWE1):c.4186C>T (p.Pro1396Ser)

Gene: HUWE1 (HECT, UBA and WWE domain containing E3 ubiquitin protein ligase 1; minus strand). Cytogenetic location: Xp11.22.
Variant type: single nucleotide variant.
Coding change: c.4186C>T on transcript NM_031407.7 (MANE Select); coding-DNA position 4186, C replaced by T.
Protein change: p.Pro1396Ser; replaces proline 1396 with serine.
Molecular consequence: missense variant.
Genome position (GRCh38, 1-based): chrX:53,590,409, G>A on the plus strand (C>T on the coding strand, the complement: HUWE1 is on the minus strand). VCF-style: chrX-53590409-G-A. GRCh37 (hg19) VCF-style: chrX-53617369-G-A.
Other names: c.4186C>T, p.Pro1396Ser (NM_001441048.1, NM_001441049.1, NM_001441051.1 and 6 more transcripts); c.4207C>T, p.Pro1403Ser (NM_001441050.1, NM_001441055.1); short protein forms P1396S, P1403S.
Identifiers: ClinVar variation 4858405 (VCV004858405.1).